The following is an entry in ClinVar:

ClinVar aggregate classification (germline): Uncertain significance. Review status: criteria provided, multiple submitters, no conflicts (2 of 4 stars). 2 submissions from 2 submitters: Uncertain significance (2). Last evaluated 2026-01-25.

Conditions:
TRIO-related disorder. Also called: TRIO-related condition; TRIO-related disorders.

Submissions (2):

PreventionGenetics, part of Exact Sciences
Classification: Uncertain significance for TRIO-related condition. Last evaluated: 2026-01-25. Review status: criteria provided, single submitter. Criteria: ACMG Guidelines, 2015. Collection method: clinical testing. Allele origin: germline.
Comment: The TRIO c.4951A>G variant is predicted to result in the amino acid substitution p.Ser1651Gly. To our knowledge, this variant has not been reported in the literature or in a large population database (gnomAD), indicating this variant is rare. At this time, the clinical significance of this variant is uncertain due to the absence of conclusive functional and genetic evidence.

Women's Health and Genetics/Laboratory Corporation of America, LabCorp
Classification: Uncertain significance. Last evaluated: 2023-10-13. Review status: criteria provided, single submitter. Criteria: LabCorp Variant Classification Summary - May 2015. Collection method: clinical testing. Allele origin: germline.
Comment: Variant summary: TRIO c.4951A>G (p.Ser1651Gly) results in a non-conservative amino acid change in the encoded protein sequence. Four of five in-silico tools predict a damaging effect of the variant on protein function. The variant was absent in 250554 control chromosomes (gnomAD). The available data on variant occurrences in the general population are insufficient to allow any conclusion about variant significance. To our knowledge, no occurrence of c.4951A>G in individuals affected with TRIO-Related Intellectual Disability and no experimental evidence demonstrating its impact on protein function have been reported. No submitters have cited clinical-significance assessments for this variant to ClinVar after 2014. Based on the evidence outlined above, the variant was classified as uncertain significance.

NM_007118.4(TRIO):c.4951A>G (p.Ser1651Gly)

Genes: TRIO (trio Rho guanine nucleotide exchange factor; plus strand), LOC126807322 (P300/CBP strongly-dependent group 1 enhancer GRCh37_chr5:14406263-14407462; plus strand). Cytogenetic location: 5p15.2.
Variant type: single nucleotide variant.
Coding change: c.4951A>G on transcript NM_007118.4 (MANE Select); coding-DNA position 4951, A replaced by G.
Protein change: p.Ser1651Gly; replaces serine 1651 with glycine.
Molecular consequence: missense variant. On other transcripts: non-coding transcript variant (1).
Genome position (GRCh38, 1-based): chr5:14,406,664, A>G. VCF-style: chr5-14406664-A-G. GRCh37 (hg19) VCF-style: chr5-14406773-A-G.
Other names: c.4951A>G (NM_007118.3); short protein forms S1651G.
Identifiers: ClinVar variation 2637725 (VCV002637725.2), dbSNP rs2533052686, ClinGen allele CA359199567.
Genomic context (GRCh38, chr5:14,406,664, plus strand): 5'-GGCAGCAGCCAGCCTGATACGATTTCCATCGCCTCACGGACGTCTCAGAACACGCTGGAC[A>G]GCGATAAGGTGAGTCACTGCCGGCACTTTGTGTGCGGAGGGGAATGTGGCCAGTCTCTGG-3'
Protein context (NP_009049.2, residues 1641-1661): ASRTSQNTLD[Ser1651Gly]DKLSGGCELT